The following is an entry in ClinVar:

ClinVar aggregate classification (germline): Uncertain significance (1 of 4 stars; one submission).

Conditions:
Cardiovascular phenotype. Identifiers: MedGen CN230736.

Allele frequency attached by ClinVar (database versions not stated): TOPMed below 0.00001; gnomAD 0.00001.
gnomAD v4.1: 1 of 1,613,014 alleles (0.000062%); highest among the groups gnomAD compares: Non-Finnish European, 0.000085%; no homozygotes.

Submission:

Ambry Genetics
Classification: Uncertain significance for Cardiovascular phenotype. Last evaluated: 2023-02-28. Review status: criteria provided, single submitter. Criteria: Ambry Variant Classification Scheme 2023. Collection method: clinical testing. Allele origin: germline.
Comment: The p.A662S variant (also known as c.1984G>T), located in coding exon 4 of the JPH2 gene, results from a G to T substitution at nucleotide position 1984. The alanine at codon 662 is replaced by serine, an amino acid with similar properties. This amino acid position is conserved. In addition, this alteration is predicted to be tolerated by in silico analysis. Since supporting evidence is limited at this time, the clinical significance of this alteration remains unclear.

NM_020433.5(JPH2):c.1984G>T (p.Ala662Ser)

Gene: JPH2 (junctophilin 2; minus strand). Cytogenetic location: 20q13.12.
Variant type: single nucleotide variant.
Coding change: c.1984G>T on transcript NM_020433.5 (MANE Select); coding-DNA position 1984, G replaced by T.
Protein change: p.Ala662Ser; replaces alanine 662 with serine.
Molecular consequence: missense variant.
Genome position (GRCh38, 1-based): chr20:44,115,691, C>A on the plus strand (G>T on the coding strand, the complement: JPH2 is on the minus strand). VCF-style: chr20-44115691-C-A. GRCh37 (hg19) VCF-style: chr20-42744331-C-A.
Other names: short protein forms A662S.
Identifiers: ClinVar variation 2451756 (VCV002451756.2), dbSNP rs1355406064, ClinGen allele CA409099546.